The following is an entry in ClinVar:

ClinVar aggregate classification (germline): Pathogenic (1 of 4 stars; one submission).

Conditions:
Neurodevelopmental disorder. Identifiers: MedGen C1535926, MeSH D065886, MONDO:0700092.

Submission:

Victorian Clinical Genetics Services, Murdoch Childrens Research Institute
Classification: Pathogenic for Neurodevelopmental disorder. Last evaluated: 2023-07-17. Review status: criteria provided, single submitter. Criteria: ACMG Guidelines, 2015. Collection method: clinical testing. Allele origin: germline. Inheritance: Autosomal dominant inheritance. Affected: yes.
Comment: Based on the classification scheme VCGS_Germline_v1.3.4, this variant is classified as Pathogenic. Following criteria are met: 0102 - Loss of function is a known mechanism of disease in this gene and is associated with neurodevelopmental disorder, ANK2-related (MONDO:0700092). (I) 0107 - This gene is associated with autosomal dominant disease. (I) 0201 - Variant is predicted to cause nonsense-mediated decay (NMD) and loss of protein (premature termination codon is located at least 54 nucleotides upstream of the final exon-exon junction). (SP) 0219 - This variant is non-coding in an alternative transcript. This variant is coding in the ClinVar predominant transcript and non-coding in the majority of transcripts (UCSC). However, pathogenic variants have been reported in the exon this variant is located in, and this isoform has been shown to be highly expressed in 10 day postnatal rat brains (PMID: 35990955). (I) 0251 - This variant is heterozygous. (I) 0301 - Variant is absent from gnomAD (both v2 and v3). (SP) 0701 - Other variants comparable to the one identified in this case have very strong previous evidence for pathogenicity. These variants have been reported as variants of uncertain significance with limited clinical information, or as pathogenic in individuals with neurodevelopmental disorders and autism. Several of the reported variants are in the same exon as this variant (ClinVar, DECIPHER, PMID: 35990955). (SP) 0807 - This variant has no previous evidence of pathogenicity. (I) 0905 - No published segregation evidence has been identified for this variant. (I) 1007 - No published functional evidence has been identified for this variant. (SP) Legend: (SP) - Supporting pathogenic, (I) - Information, (SB) - Supporting benign

Literature cited by the submitters: PubMed 35990955.

NM_001148.6(ANK2):c.6245dup (p.Gly2083fs)

Genes: ANK2 (ankyrin 2; plus strand), LOC126807136 (MED14-independent group 3 enhancer GRCh37_chr4:114274931-114276130; plus strand). Cytogenetic location: 4q26.
Variant type: Duplication.
Coding change: c.6245dup on transcript NM_001148.6 (MANE Select); coding-DNA position 6245, one base duplicated (G; older notation c.6245dupG).
Protein change: p.Gly2083fs; shifts the reading frame from glycine 2083.
Molecular consequence: frameshift variant. On other transcripts: intron variant (68).
Genome position (GRCh38, 1-based): chr4:113,354,863, G duplicated; the last of 2 consecutive G bases (chr4:113,354,862-113,354,863); duplicating either gives the same sequence. VCF-style (leftmost placement, unchanged base first): chr4-113354861-T-TG. GRCh37 (hg19) VCF-style: chr4-114276017-T-TG.
Other names: c.6011dup, p.Gly2005fs (NM_001386142.1); c.2645dup, p.Gly883fs (NM_001386166.1); c.6386dup, p.Gly2130fs (NM_001386174.1); c.6362dup, p.Gly2122fs (NM_001386175.1); c.4411+4614dup (NM_001386186.2, NM_001386148.2); c.4213+4614dup (NM_001354269.3); c.4291+4614dup (NM_001386187.2); c.4252+4614dup (NM_001386147.1); and 36 more; short protein forms G2005fs, G2083fs, G2122fs, G2130fs, G883fs.
Identifiers: ClinVar variation 3376713 (VCV003376713.1).